The following is an entry in ClinVar:

NM_001079872.2(CUL4B):c.319C>G (p.Leu107Val)

Genes: CUL4B (cullin 4B; minus strand), LOC113845788 (Sharpr-MPRA regulatory region 11856; plus strand). Cytogenetic location: Xq24.
Variant type: single nucleotide variant.
Coding change: c.319C>G on transcript NM_001079872.2 (MANE Select); coding-DNA position 319, C replaced by G.
Protein change: p.Leu107Val; replaces leucine 107 with valine.
Molecular consequence: missense variant.
Genome position (GRCh38, 1-based): chrX:120,560,320, G>C on the plus strand (C>G on the coding strand, the complement: CUL4B is on the minus strand). VCF-style: chrX-120560320-G-C. GRCh37 (hg19) VCF-style: chrX-119694175-G-C.
Other names: c.334C>G, p.Leu112Val (NM_001330624.2); c.373C>G, p.Leu125Val (NM_003588.4); short protein forms L125V, L112V, L107V.
Identifiers: ClinVar variation 533698 (VCV000533698.20), dbSNP rs760294805, ClinGen allele CA10505713.
Genomic context (GRCh38, chrX:120,560,320, plus strand): 5'-ATGAGGAGGAGGAGGAGGAGGATTCCTCAGCCATCTTCGCATCAAACCCTACAAACTCCA[G>C]GGTGTCTTCAAAACGCAGCTTCTTCTGTATCGGTACGTGGCTGGAAGCAGCCACTGAAAC-3'
Protein context (NP_001073341.1, residues 97-117): IQKKLRFEDT[Leu107Val]EFVGFDAKMA

ClinVar aggregate classification (germline): Conflicting classifications of pathogenicity. Review status: criteria provided, conflicting classifications (1 of 4 stars). 4 submissions from 4 submitters: Uncertain significance (1); Likely benign (2). 1 of the submissions does not count toward it. Last evaluated 2024-08-19.

Conditions:
Inborn genetic diseases. Identifiers: MedGen C0950123, MeSH D030342.
X-linked intellectual disability Cabezas type (MRXSC). Also called: Intellectual developmental disorder, X-linked syndromic, Cabezas type; MENTAL RETARDATION, X-LINKED, SYNDROMIC 15; CABEZAS SYNDROME. Identifiers: Orphanet 85289, Orphanet 85293, MedGen C1845861, MONDO:0010306, OMIM 300354.
CUL4B-related disorder. Also called: CUL4B-related condition.

Allele frequency attached by ClinVar (database versions not stated): gnomAD 0.00010 and 0.00011; gnomAD exomes 0.00024 and 0.00004; ExAC 0.00005; TOPMed 0.00010.
gnomAD v4.1: 267 of 1,209,508 alleles (0.022%); highest among the groups gnomAD compares: Non-Finnish European, 0.028%; no homozygotes.

Submissions (4):

Labcorp Genetics (formerly Invitae), Labcorp
Classification: Likely benign for X-linked intellectual disability Cabezas type. Last evaluated: 2024-08-19. Review status: criteria provided, single submitter. Criteria: Invitae Variant Classification Sherloc (09022015). Collection method: clinical testing. Allele origin: germline.

GeneDx
Classification: Likely benign. Last evaluated: 2023-02-02. Review status: criteria provided, single submitter. Criteria: GeneDx Variant Classification Process June 2021. Collection method: clinical testing. Allele origin: germline. Affected: yes.
Comment: See Variant Classification Assertion Criteria.

Ambry Genetics
Classification: Uncertain significance for Inborn genetic diseases. Last evaluated: 2018-01-31. Review status: criteria provided, single submitter. Criteria: Ambry Variant Classification Scheme 2023. Collection method: clinical testing. Allele origin: germline.
Comment: The p.L125V variant (also known as c.373C>G), located in coding exon 2 of the CUL4B gene, results from a C to G substitution at nucleotide position 373. The leucine at codon 125 is replaced by valine, an amino acid with highly similar properties. This amino acid position is well conserved in available vertebrate species. In addition, this alteration is predicted to be tolerated by in silico analysis. Since supporting evidence is limited at this time, the clinical significance of this alteration remains unclear.

PreventionGenetics, part of Exact Sciences
Classification: Likely benign for CUL4B-related condition. Last evaluated: 2023-05-17. Review status: no assertion criteria provided. Collection method: clinical testing. Allele origin: germline. Not counted in ClinVar's aggregate classification.
Comment: This variant is classified as likely benign based on ACMG/AMP sequence variant interpretation guidelines (Richards et al. 2015 PMID: 25741868, with internal and published modifications).